The following is an entry in ClinVar:

NM_024642.5(GALNT12):c.725T>C (p.Leu242Pro)

Gene: GALNT12 (polypeptide N-acetylgalactosaminyltransferase 12; plus strand). Cytogenetic location: 9q22.33.
Variant type: single nucleotide variant.
Coding change: c.725T>C on transcript NM_024642.5 (MANE Select); coding-DNA position 725, T replaced by C.
Protein change: p.Leu242Pro; replaces leucine 242 with proline.
Molecular consequence: missense variant.
Genome position (GRCh38, 1-based): chr9:98,826,935, T>C. VCF-style: chr9-98826935-T-C. GRCh37 (hg19) VCF-style: chr9-101589217-T-C.
Other names: short protein forms L242P.
Identifiers: ClinVar variation 4028000 (VCV004028000.1).

ClinVar aggregate classification (germline): Uncertain significance (1 of 4 stars; one submission).

Submission:

Ambry Genetics
Classification: Uncertain significance. Last evaluated: 2025-04-01. Review status: criteria provided, single submitter. Criteria: Ambry Variant Classification Scheme 2023. Collection method: clinical testing. Allele origin: germline.
Comment: The p.L242P variant (also known as c.725T>C), located in coding exon 3 of the GALNT12 gene, results from a T to C substitution at nucleotide position 725. The leucine at codon 242 is replaced by proline, an amino acid with similar properties. This amino acid position is conserved. In addition, this alteration is predicted to be deleterious by in silico analysis. Based on the available evidence, the clinical significance of this variant remains unclear.